The following is an entry in ClinVar:

NM_000092.5(COL4A4):c.2479T>C (p.Ser827Pro)

Gene: COL4A4 (collagen type IV alpha 4 chain; minus strand). Cytogenetic location: 2q36.3.
Variant type: single nucleotide variant.
Coding change: c.2479T>C on transcript NM_000092.5 (MANE Select); coding-DNA position 2479, T replaced by C.
Protein change: p.Ser827Pro; replaces serine 827 with proline.
Molecular consequence: missense variant.
Genome position (GRCh38, 1-based): chr2:227,057,505, A>G on the plus strand (T>C on the coding strand, the complement: COL4A4 is on the minus strand). VCF-style: chr2-227057505-A-G. GRCh37 (hg19) VCF-style: chr2-227922221-A-G.
Other names: short protein forms S827P.
Identifiers: ClinVar variation 1989875 (VCV001989875.1), dbSNP rs2474163628, ClinGen allele CA350841297.
Genomic context (GRCh38, chr2:227,057,505, plus strand): 5'-TACCTGGATACCCAGGGAGTCCCGGTTGCCCTGGTATCCCTGGAGCACCTCTTTCACAGG[A>G]ATGGCCAGGTGGACCTGGGACACCTGGAAACCCAGCATGTCCCTCTCTGCCTTTGGGACC-3'
Protein context (NP_000083.3, residues 817-837): FPGVPGPPGH[Ser827Pro]CERGAPGIPG

ClinVar aggregate classification (germline): Uncertain significance (1 of 4 stars; one submission).

Allele frequency attached by ClinVar (database versions not stated): gnomAD exomes below 0.00001.
gnomAD v4.1: 1 of 1,613,414 alleles (0.000062%); highest among the groups gnomAD compares: Non-Finnish European, 0.000085%; no homozygotes.

Submission:

Labcorp Genetics (formerly Invitae), Labcorp
Classification: Uncertain significance. Last evaluated: 2020-09-02. Review status: criteria provided, single submitter. Criteria: Invitae Variant Classification Sherloc (09022015). Collection method: clinical testing. Allele origin: germline.
Comment: This sequence change replaces serine with proline at codon 827 of the COL4A4 protein (p.Ser827Pro). The serine residue is moderately conserved and there is a moderate physicochemical difference between serine and proline. This variant is not present in population databases (ExAC no frequency). This variant has not been reported in the literature in individuals with COL4A4-related conditions. Advanced modeling of protein sequence and biophysical properties (such as structural, functional, and spatial information, amino acid conservation, physicochemical variation, residue mobility, and thermodynamic stability) performed at Invitae indicates that this missense variant is not expected to disrupt COL4A4 protein function. In summary, the available evidence is currently insufficient to determine the role of this variant in disease. Therefore, it has been classified as a Variant of Uncertain Significance.